The following is an entry in ClinVar:

NM_006180.6(NTRK2):c.148C>T (p.Pro50Ser)

Gene: NTRK2 (neurotrophic receptor tyrosine kinase 2; plus strand). Cytogenetic location: 9q21.33.
Variant type: single nucleotide variant.
Coding change: c.148C>T on transcript NM_006180.6 (MANE Select); coding-DNA position 148, C replaced by T.
Protein change: p.Pro50Ser; replaces proline 50 with serine.
Molecular consequence: missense variant.
Genome position (GRCh38, 1-based): chr9:84,670,896, C>T. VCF-style: chr9-84670896-C-T. GRCh37 (hg19) VCF-style: chr9-87285811-C-T.
Other names: c.148C>T, p.Pro50Ser (NM_001007097.3, NM_001018064.3, NM_001018065.2 and 19 more transcripts); short protein forms P50S.
Identifiers: ClinVar variation 2041434 (VCV002041434.4), dbSNP rs2058658126, ClinGen allele CA374004840.

ClinVar aggregate classification (germline): Uncertain significance (1 of 4 stars; one submission).

Allele frequency attached by ClinVar (database versions not stated): gnomAD exomes below 0.00001.
gnomAD v4.1: 1 of 1,612,466 alleles (0.000062%); highest among the groups gnomAD compares: Admixed American, 0.0017%; no homozygotes.

Submission:

Labcorp Genetics (formerly Invitae), Labcorp
Classification: Uncertain significance. Last evaluated: 2022-03-10. Review status: criteria provided, single submitter. Criteria: Invitae Variant Classification Sherloc (09022015). Collection method: clinical testing. Allele origin: germline.
Comment: In summary, the available evidence is currently insufficient to determine the role of this variant in disease. Therefore, it has been classified as a Variant of Uncertain Significance. Advanced modeling of protein sequence and biophysical properties (such as structural, functional, and spatial information, amino acid conservation, physicochemical variation, residue mobility, and thermodynamic stability) performed at Invitae indicates that this missense variant is expected to disrupt NTRK2 protein function. This variant has not been reported in the literature in individuals affected with NTRK2-related conditions. This variant is not present in population databases (gnomAD no frequency). This sequence change replaces proline, which is neutral and non-polar, with serine, which is neutral and polar, at codon 50 of the NTRK2 protein (p.Pro50Ser).